The following is an entry in ClinVar:

ClinVar aggregate classification (germline): Likely benign (1 of 4 stars; one submission).

Submission:

CeGaT Center for Human Genetics Tuebingen
Classification: Likely benign. Last evaluated: 2024-07-01. Review status: criteria provided, single submitter. Criteria: CeGaT Center For Human Genetics Tuebingen Variant Classification Criteria Version 2. Collection method: clinical testing. Allele origin: germline. Affected: yes. Observed: 1 variant allele.
Comment: CHD4: PM2:Supporting, BP4, BP7

NM_001273.5(CHD4):c.3606G>C (p.Gly1202=)

Gene: CHD4 (chromodomain helicase DNA binding protein 4; minus strand). Cytogenetic location: 12p13.31.
Variant type: single nucleotide variant.
Coding change: c.3606G>C on transcript NM_001273.5 (MANE Select); coding-DNA position 3606, G replaced by C.
Protein change: p.Gly1202=; no amino-acid change (glycine 1202 retained).
Molecular consequence: synonymous variant.
Genome position (GRCh38, 1-based): chr12:6,587,809, C>G on the plus strand (G>C on the coding strand, the complement: CHD4 is on the minus strand). VCF-style: chr12-6587809-C-G. GRCh37 (hg19) VCF-style: chr12-6696975-C-G.
Other names: c.3585G>C, p.Gly1195= (NM_001297553.2); c.3567G>C, p.Gly1189= (NM_001363606.2).
Identifiers: ClinVar variation 3257694 (VCV003257694.17).